The following is an entry in ClinVar:

NM_001374353.1(GLI2):c.1897A>C (p.Ser633Arg)

Gene: GLI2 (GLI family zinc finger 2; plus strand). Cytogenetic location: 2q14.2.
Variant type: single nucleotide variant.
Coding change: c.1897A>C on transcript NM_001374353.1 (MANE Select); coding-DNA position 1897, A replaced by C.
Protein change: p.Ser633Arg; replaces serine 633 with arginine.
Molecular consequence: missense variant.
Genome position (GRCh38, 1-based): chr2:120,984,735, A>C. VCF-style: chr2-120984735-A-C. GRCh37 (hg19) VCF-style: chr2-121742311-A-C.
Other names: c.1948A>C, p.Ser650Arg (NM_001371271.1, NM_005270.5); c.1522A>C, p.Ser508Arg (NM_001374354.1); short protein forms S508R, S633R, S650R.
Identifiers: ClinVar variation 2106233 (VCV002106233.28), dbSNP rs2467750644, ClinGen allele CA348163487.

ClinVar aggregate classification (germline): Uncertain significance. Review status: criteria provided, multiple submitters, no conflicts (2 of 4 stars). 2 submissions from 2 submitters: Uncertain significance (2). Last evaluated 2023-03-01.

Conditions:
Holoprosencephaly 9 (HPE9). Also called: HOLOPROSENCEPHALY WITH MICROPHTHALMIA AND FIRST BRANCHIAL ARCH ANOMALIES; PITUITARY ANOMALIES WITH HOLOPROSENCEPHALY-LIKE FEATURES. Identifiers: Orphanet 2162, MedGen C1835819, MONDO:0012563, OMIM 610829.
Postaxial polydactyly-anterior pituitary anomalies-facial dysmorphism syndrome. Also called: Culler-Jones syndrome. Identifiers: Orphanet 420584, MedGen C4014479, MONDO:0014369, OMIM 615849.

Allele frequency attached by ClinVar (database versions not stated): gnomAD exomes below 0.00001.
gnomAD v4.1: 1 of 1,612,576 alleles (0.000062%); highest among the groups gnomAD compares: Non-Finnish European, 0.000085%; no homozygotes.

Submissions (2):

CeGaT Center for Human Genetics Tuebingen
Classification: Uncertain significance. Last evaluated: 2023-03-01. Review status: criteria provided, single submitter. Criteria: CeGaT Center For Human Genetics Tuebingen Variant Classification Criteria Version 2. Collection method: clinical testing. Allele origin: germline. Affected: yes. Observed: 1 variant allele.
Comment: GLI2: PM2, BP4

Labcorp Genetics (formerly Invitae), Labcorp
Classification: Uncertain significance for Postaxial polydactyly-anterior pituitary anomalies-facial dysmorphism syndrome; Holoprosencephaly 9. Last evaluated: 2022-03-04. Review status: criteria provided, single submitter. Criteria: Invitae Variant Classification Sherloc (09022015). Collection method: clinical testing. Allele origin: germline.
Comment: This sequence change replaces serine, which is neutral and polar, with arginine, which is basic and polar, at codon 650 of the GLI2 protein (p.Ser650Arg). This variant is not present in population databases (gnomAD no frequency). This variant has not been reported in the literature in individuals affected with GLI2-related conditions. Algorithms developed to predict the effect of missense changes on protein structure and function output the following: SIFT: "Tolerated"; PolyPhen-2: "Benign"; Align-GVGD: "Class C0". The arginine amino acid residue is found in multiple mammalian species, which suggests that this missense change does not adversely affect protein function. In summary, the available evidence is currently insufficient to determine the role of this variant in disease. Therefore, it has been classified as a Variant of Uncertain Significance.